The following is an entry in ClinVar:

NM_000030.3(AGXT):c.349G>A (p.Glu117Lys)

Gene: AGXT (alanine--glyoxylate aminotransferase; plus strand). Cytogenetic location: 2q37.3.
Variant type: single nucleotide variant.
Coding change: c.349G>A on transcript NM_000030.3 (MANE Select); coding-DNA position 349, G replaced by A.
Protein change: p.Glu117Lys; replaces glutamic acid 117 with lysine.
Molecular consequence: missense variant.
Genome position (GRCh38, 1-based): chr2:240,869,353, G>A. VCF-style: chr2-240869353-G-A. GRCh37 (hg19) VCF-style: chr2-241808770-G-A.
Other names: short protein forms E117K.
Identifiers: ClinVar variation 4989943 (VCV004989943.1).

ClinVar aggregate classification (germline): Uncertain significance (1 of 4 stars; one submission).

Conditions:
AGXT-related disorder. Also called: AGXT-related condition.

gnomAD v4.1: 3 of 1,593,788 alleles (0.00019%); highest among the groups gnomAD compares: Admixed American, 0.0034%; no homozygotes.

Submission:

PreventionGenetics, part of Exact Sciences
Classification: Uncertain significance for AGXT-related condition. Last evaluated: 2025-09-16. Review status: criteria provided, single submitter. Criteria: ACMG Guidelines, 2015. Collection method: clinical testing. Allele origin: germline.
Comment: The AGXT c.349G>A variant is predicted to result in the amino acid substitution p.Glu117Lys. To our knowledge, this variant has not been reported in the literature. This variant is reported in 0.0030% of alleles in individuals of Latino descent in gnomAD. At this time, the clinical significance of this variant is uncertain due to the absence of conclusive functional and genetic evidence.